The following is an entry in ClinVar:

ClinVar aggregate classification (germline): Uncertain significance (0 of 4 stars; one submission).

Conditions:
POLR1C-related disorder. Also called: POLR1C-related condition; POLR1C-related disorders. Identifiers: MedGen CN239394, MONDO:0700278.

gnomAD v4.1: 2 of 1,359,434 alleles (0.00015%); highest among the groups gnomAD compares: African/African-American, 0.003%; no homozygotes.

Submission:

PreventionGenetics, part of Exact Sciences
Classification: Uncertain significance for POLR1C-related condition. Last evaluated: 2024-03-14. Review status: no assertion criteria provided. Collection method: clinical testing. Allele origin: germline.
Comment: The POLR1C c.940G>C variant is predicted to result in the amino acid substitution p.Ala314Pro. To our knowledge, this variant has not been reported in the literature. This variant is reported in 0.0062% of alleles in individuals of African descent in gnomAD. At this time, the clinical significance of this variant is uncertain due to the absence of conclusive functional and genetic evidence.

NM_001318876.2(POLR1C):c.940G>C (p.Ala314Pro)

Genes: POLR1C (RNA polymerase I and III subunit C; plus strand), XPO5 (exportin 5; minus strand). Cytogenetic location: 6p21.1.
Variant type: single nucleotide variant.
Coding change: c.940G>C on transcript NM_001318876.2; coding-DNA position 940, G replaced by C.
Protein change: p.Ala314Pro; replaces alanine 314 with proline.
Molecular consequence: missense variant. On other transcripts: intron variant (2).
Genome position (GRCh38, 1-based): chr6:43,529,266, G>C. VCF-style: chr6-43529266-G-C. GRCh37 (hg19) VCF-style: chr6-43497004-G-C.
Other names: c.922+8218G>C (NM_001363658.2); c.2678-341C>G (NM_020750.3); short protein forms A314P.
Identifiers: ClinVar variation 3353452 (VCV003353452.1).